The following is an entry in ClinVar:

NM_001142864.4(PIEZO1):c.3303C>T (p.Ser1101=)

Gene: PIEZO1 (piezo type mechanosensitive ion channel component 1 (Er blood group); minus strand). Cytogenetic location: 16q24.3.
Variant type: single nucleotide variant.
Coding change: c.3303C>T on transcript NM_001142864.4 (MANE Select); coding-DNA position 3303, C replaced by T.
Protein change: p.Ser1101=; no amino-acid change (serine 1101 retained).
Molecular consequence: synonymous variant.
Genome position (GRCh38, 1-based): chr16:88,727,191, G>A on the plus strand (C>T on the coding strand, the complement: PIEZO1 is on the minus strand). VCF-style: chr16-88727191-G-A. GRCh37 (hg19) VCF-style: chr16-88793599-G-A.
Identifiers: ClinVar variation 1321654 (VCV001321654.4), dbSNP rs367579980, ClinGen allele CA8232519.
Genomic context (GRCh38, chr16:88,727,191, plus strand): 5'-TGTGCGCTCAGCTGAGAACACCTGCCACTGCTGGGAGGCGCACAGCAGCAGGAGAAAGTC[G>A]CCTGCAGGACACAGGAGCCGCCGCTGTGCCACACGGGGACCCACACGAGGTGGGCACGGC-3'
Protein context (NP_001136336.2, residues 1091-1111): FRAPNSTNLI[Ser1101=]DFLLLLCASQ

ClinVar aggregate classification (germline): Conflicting classifications of pathogenicity. Review status: criteria provided, conflicting classifications (1 of 4 stars). 3 submissions from 3 submitters: Uncertain significance (1); Likely benign (2). Last evaluated 2025-01-03.

Allele frequency attached by ClinVar (database versions not stated): gnomAD exomes 0.00002 and 0.00008; gnomAD 0.00004 and 0.00005; ExAC 0.00009; TOPMed 0.00009; 1000 Genomes Project 0.00020; 1000 Genomes Project 30x 0.00062.
gnomAD v4.1: 45 of 1,538,320 alleles (0.0029%); highest among the groups gnomAD compares: East Asian, 0.032%; no homozygotes.

Submissions (3):

ARUP Laboratories, Molecular Genetics and Genomics, ARUP Laboratories
Classification: Likely benign. Last evaluated: 2025-01-03. Review status: criteria provided, single submitter. Criteria: ARUP Molecular Germline Variant Investigation Process 2024. Collection method: clinical testing. Allele origin: germline.

Blueprint Genetics
Classification: Likely benign. Last evaluated: 2024-11-20. Review status: criteria provided, single submitter. Criteria: ACMG Guidelines, 2015. Collection method: clinical testing. Allele origin: germline.

GeneDx
Classification: Uncertain significance. Last evaluated: 2021-03-22. Review status: criteria provided, single submitter. Criteria: GeneDx Variant Classification Process June 2021. Collection method: clinical testing. Allele origin: germline. Affected: yes.
Comment: Has not been previously published as pathogenic or benign to our knowledge; In silico analysis, which includes splice predictors and evolutionary conservation, suggests this variant may impact gene splicing. In the absence of RNA/functional studies, the actual effect of this sequence change is unknown.